The following is an entry in ClinVar:

ClinVar aggregate classification (germline): Benign/Likely benign. Review status: criteria provided, multiple submitters, no conflicts (2 of 4 stars). 3 submissions from 3 submitters: Benign (1); Likely benign (1). 1 of the submissions does not count toward it. Last evaluated 2024-10-24.

Conditions:
Maturity-onset diabetes of the young (MODY). Also called: Maturity onset diabetes mellitus in young. Identifiers: Orphanet 552, MedGen C0342276, MONDO:0018911, HP:0004904.

Allele frequency attached by ClinVar (database versions not stated): TOPMed 0.00004; gnomAD exomes 0.00008 and 0.00019; ExAC 0.00017; 1000 Genomes Project 30x 0.00031; 1000 Genomes Project 0.00040.
gnomAD v4.1: 119 of 1,613,860 alleles (0.0074%); highest among the groups gnomAD compares: South Asian, 0.069%; no homozygotes.

Submissions (3):

Blueprint Genetics
Classification: Likely benign. Last evaluated: 2024-10-24. Review status: criteria provided, single submitter. Criteria: ACMG Guidelines, 2015. Collection method: clinical testing. Allele origin: germline.

Clinical Genomics, Uppaluri K&H Personalized Medicine Clinic
Classification: Benign for Maturity-onset diabetes of the young. Review status: criteria provided, single submitter. Criteria: K & H Uppaluri Personalized Medicine Clinic Variant Classification & Assertion Criteria_Updated V.1. Collection method: research. Allele origin: unknown. Inheritance: Autosomal dominant inheritance.
Comment: Mutations in HNF1A gene can predispose to MODY3. It is associated with both micro and macrovascular complications of diabetes, especially cardiovascular complications. Associated with glucosuria. May respond well to sulfonylureas. However, more evidence is required to confer the association of this particular variant rs563879035 with MODY3.

ITMI
No classification provided. Condition: AllHighlyPenetrant. Last evaluated: 2013-09-19. Review status: no classification provided. Collection method: reference population. Allele origin: germline. Not counted in ClinVar's aggregate classification.
Comment: Please see associated publication for description of ethnicities

Literature cited by the submitters: PubMed 31517624 (cited by Clinical Genomics, Uppaluri K&H Personalized Medicine Clinic); PubMed 32395877 (cited by Clinical Genomics, Uppaluri K&H Personalized Medicine Clinic); PubMed 35328643 (cited by Clinical Genomics, Uppaluri K&H Personalized Medicine Clinic); PubMed 35673428 (cited by Clinical Genomics, Uppaluri K&H Personalized Medicine Clinic); PubMed 24728327 (cited by ITMI).

NM_000545.8(HNF1A):c.1624-30C>T

Gene: HNF1A (HNF1 homeobox A; plus strand). Cytogenetic location: 12q24.31.
Variant type: single nucleotide variant.
Coding change: c.1624-30C>T on transcript NM_000545.8 (MANE Select); 30 bases into the intron before coding-DNA position 1624, C replaced by T.
Molecular consequence: intron variant.
Genome position (GRCh38, 1-based): chr12:120,999,453, C>T. VCF-style: chr12-120999453-C-T. GRCh37 (hg19) VCF-style: chr12-121437256-C-T.
Other names: c.1624-9C>T (NM_001306179.2).
Identifiers: ClinVar variation 135506 (VCV000135506.3), dbSNP rs563879035, ClinGen allele CA162961.
Genomic context (GRCh38, chr12:120,999,453, plus strand): 5'-AGGTCCAGGCCTGCTGGCCCTCCCTTGGCCTGTGACAGAGCCCCTCACCCCCACATCCCC[C>T]GGGCTCAGGAGGCTGCTCTGCTCCCCCAGGTCTTCACCTCAGACACTGAGGCCTCCAGTG-3'